The following is an entry in ClinVar:

ClinVar aggregate classification (germline): Uncertain significance. Review status: criteria provided, multiple submitters, no conflicts (2 of 4 stars). 2 submissions from 2 submitters: Uncertain significance (2). Last evaluated 2023-08-30.

Conditions:
Hereditary cancer-predisposing syndrome. Also called: Hereditary neoplastic syndrome; Neoplastic Syndromes, Hereditary; Tumor predisposition; Hereditary Cancer Syndrome. Identifiers: Orphanet 140162, MedGen C0027672, MeSH D009386, MONDO:0015356.
Juvenile polyposis syndrome (JPS). Identifiers: Orphanet 2929, MedGen C0345893, MONDO:0017380, OMIM 174900.

Submissions (2):

Ambry Genetics
Classification: Uncertain significance for Hereditary cancer-predisposing syndrome. Last evaluated: 2023-08-30. Review status: criteria provided, single submitter. Criteria: Ambry Variant Classification Scheme 2023. Collection method: clinical testing. Allele origin: germline.
Comment: The p.Y176F variant (also known as c.527A>T), located in coding exon 5 of the BMPR1A gene, results from an A to T substitution at nucleotide position 527. The tyrosine at codon 176 is replaced by phenylalanine, an amino acid with highly similar properties. This amino acid position is conserved. In addition, the in silico prediction for this alteration is inconclusive. Since supporting evidence is limited at this time, the clinical significance of this alteration remains unclear.

Labcorp Genetics (formerly Invitae), Labcorp
Classification: Uncertain significance for Juvenile polyposis syndrome. Last evaluated: 2017-01-18. Review status: criteria provided, single submitter. Criteria: Invitae Variant Classification Sherloc (09022015). Collection method: clinical testing. Allele origin: germline.
Comment: This sequence change replaces tyrosine with phenylalanine at codon 176 of the BMPR1A protein (p.Tyr176Phe). The tyrosine residue is highly conserved and there is a small physicochemical difference between tyrosine and phenylalanine. This variant is not present in population databases (ExAC no frequency) and has not been reported in the literature in individuals with a BMPR1A-related disease. Algorithms developed to predict the effect of missense changes on protein structure and function (SIFT, PolyPhen-2, Align-GVGD) all suggest that this variant is likely to be tolerated, but these predictions have not been confirmed by published functional studies. In summary, this variant is a novel missense change that is not predicted to affect protein function. There is no indication that it causes disease, but the available evidence is currently insufficient to prove that conclusively. Therefore, it has been classified as a Variant of Uncertain Significance.

NM_004329.3(BMPR1A):c.527A>T (p.Tyr176Phe)

Gene: BMPR1A (bone morphogenetic protein receptor type 1A; plus strand). Cytogenetic location: 10q23.2.
Variant type: single nucleotide variant.
Coding change: c.527A>T on transcript NM_004329.3 (MANE Select); coding-DNA position 527, A replaced by T.
Protein change: p.Tyr176Phe; replaces tyrosine 176 with phenylalanine.
Molecular consequence: missense variant.
Genome position (GRCh38, 1-based): chr10:86,900,123, A>T. VCF-style: chr10-86900123-A-T. GRCh37 (hg19) VCF-style: chr10-88659880-A-T.
Other names: c.527A>T (NM_004329.2); short protein forms Y176F.
Identifiers: ClinVar variation 1019546 (VCV001019546.11), dbSNP rs1554889024, ClinGen allele CA377450770.